The following is an entry in ClinVar:

NM_001142864.4(PIEZO1):c.172C>T (p.Arg58Cys)

Gene: PIEZO1 (piezo type mechanosensitive ion channel component 1 (Er blood group); minus strand). Cytogenetic location: 16q24.3.
Variant type: single nucleotide variant.
Coding change: c.172C>T on transcript NM_001142864.4 (MANE Select); coding-DNA position 172, C replaced by T.
Protein change: p.Arg58Cys; replaces arginine 58 with cysteine.
Molecular consequence: missense variant.
Genome position (GRCh38, 1-based): chr16:88,742,411, G>A on the plus strand (C>T on the coding strand, the complement: PIEZO1 is on the minus strand). VCF-style: chr16-88742411-G-A. GRCh37 (hg19) VCF-style: chr16-88808819-G-A.
Other names: c.172C>T (NM_001142864.2); short protein forms R58C.
Identifiers: ClinVar variation 2716450 (VCV002716450.6), dbSNP rs778920824, ClinGen allele CA8233330.

ClinVar aggregate classification (germline): Conflicting classifications of pathogenicity. Review status: criteria provided, conflicting classifications (1 of 4 stars). 4 submissions from 4 submitters: Uncertain significance (3); Benign (1). Last evaluated 2024-06-24.

Conditions:
Inborn genetic diseases. Identifiers: MedGen C0950123, MeSH D030342.
Lymphatic malformation 6 (LMPHM6). Also called: Lymphedema, hereditary, III; GENERALIZED LYMPHATIC DYSPLASIA OF FOTIOU; PIEZO1-related generalized lymphatic dysplasia with non-immune hydrops fetalis. Identifiers: Orphanet 568062, MedGen C4225184, MONDO:0014797, OMIM 616843.

Allele frequency attached by ClinVar (database versions not stated): gnomAD 0.00005.
gnomAD v4.1: 100 of 1,534,764 alleles (0.0065%); highest among the groups gnomAD compares: Non-Finnish European, 0.0078%; no homozygotes.

Submissions (4):

Clinical Genomics Laboratory, Washington University in St. Louis
Classification: Uncertain significance for Lymphatic malformation 6. Last evaluated: 2024-06-24. Review status: criteria provided, single submitter. Criteria: ACMG Guidelines, 2015. Collection method: clinical testing. Allele origin: germline.
Comment: A PIEZO1 c.172C>T (p.Arg58Cys) variant was identified at a near heterozygous allelic fraction of 48.7%, a frequency which may be consistent with germline origin. This variant, to our knowledge, has not been reported in the medical literature and is only observed on 100/1,534,764 alleles in the general population (gnomAD v.4.1.0), indicating it is not a common variant. This variant has been reported in the ClinVar database as a benign variant by one submitter and a variant of uncertain significance by another submitter both in a germline state (Clinvar ID: 2716450). Computational predictors are uncertain as to the impact of this variant on PIEZO1 function. Due to limited information, and based on ACMG/AMP guidelines for variant interpretation (Richards S et al., PMID: 25741868), the clinical significance of this variant is uncertain at this time.

Revvity Omics, Revvity
Classification: Uncertain significance. Last evaluated: 2024-02-06. Review status: criteria provided, single submitter. Criteria: ACMG Guidelines, 2015. Collection method: clinical testing. Allele origin: germline.

Ambry Genetics
Classification: Uncertain significance for Inborn genetic diseases. Last evaluated: 2024-01-30. Review status: criteria provided, single submitter. Criteria: Ambry Variant Classification Scheme 2023. Collection method: clinical testing. Allele origin: germline.

Labcorp Genetics (formerly Invitae), Labcorp
Classification: Benign. Last evaluated: 2024-01-09. Review status: criteria provided, single submitter. Criteria: Invitae Variant Classification Sherloc (09022015). Collection method: clinical testing. Allele origin: germline.